The following is an entry in ClinVar:

NM_005585.5(SMAD6):c.1151G>A (p.Arg384His)

Gene: SMAD6 (SMAD family member 6; plus strand). Cytogenetic location: 15q22.31.
Variant type: single nucleotide variant.
Coding change: c.1151G>A on transcript NM_005585.5 (MANE Select); coding-DNA position 1151, G replaced by A.
Protein change: p.Arg384His; replaces arginine 384 with histidine.
Molecular consequence: missense variant. On other transcripts: non-coding transcript variant (1).
Genome position (GRCh38, 1-based): chr15:66,781,195, G>A. VCF-style: chr15-66781195-G-A. GRCh37 (hg19) VCF-style: chr15-67073533-G-A.
Other names: short protein forms R384H.
Identifiers: ClinVar variation 3356037 (VCV003356037.1).

ClinVar aggregate classification (germline): Uncertain significance (0 of 4 stars; one submission).

Conditions:
SMAD6-related disease. Also called: SMAD6-related disorder; SMAD6-related condition. Identifiers: MedGen CN381596, MONDO:0700324.

gnomAD v4.1: 3 of 1,608,048 alleles (0.00019%); highest among the groups gnomAD compares: South Asian, 0.0022%; no homozygotes.

Submission:

PreventionGenetics, part of Exact Sciences
Classification: Uncertain significance for SMAD6-related condition. Last evaluated: 2024-03-07. Review status: no assertion criteria provided. Collection method: clinical testing. Allele origin: germline.
Comment: The SMAD6 c.1151G>A variant is predicted to result in the amino acid substitution p.Arg384His. To our knowledge, this variant has not been reported in the literature. This variant is reported in 0.0065% of alleles in individuals of African descent in gnomAD. At this time, the clinical significance of this variant is uncertain due to the absence of conclusive functional and genetic evidence.